The following is an entry in ClinVar:

ClinVar aggregate classification (germline): Uncertain significance. Review status: criteria provided, multiple submitters, no conflicts (2 of 4 stars). 2 submissions from 2 submitters: Uncertain significance (2). Last evaluated 2025-02-27.

Conditions:
Inborn genetic diseases. Identifiers: MedGen C0950123, MeSH D030342.

Submissions (2):

GeneDx
Classification: Uncertain significance. Last evaluated: 2025-02-27. Review status: criteria provided, single submitter. Criteria: GeneDx Variant Classification Process June 2021. Collection method: clinical testing. Allele origin: germline. Affected: yes.
Comment: Not observed at significant frequency in large population cohorts (gnomAD); In silico analysis supports that this missense variant has a deleterious effect on protein structure/function; Has not been previously published as pathogenic or benign to our knowledge

Ambry Genetics
Classification: Uncertain significance for Inborn genetic diseases. Last evaluated: 2024-09-10. Review status: criteria provided, single submitter. Criteria: Ambry Variant Classification Scheme 2023. Collection method: clinical testing. Allele origin: germline.

NM_020719.3(PRR12):c.389T>C (p.Leu130Pro)

Gene: PRR12 (proline rich 12; plus strand). Cytogenetic location: 19q13.33.
Variant type: single nucleotide variant.
Coding change: c.389T>C on transcript NM_020719.3 (MANE Select); coding-DNA position 389, T replaced by C.
Protein change: p.Leu130Pro; replaces leucine 130 with proline.
Molecular consequence: missense variant.
Genome position (GRCh38, 1-based): chr19:49,594,724, T>C. VCF-style: chr19-49594724-T-C. GRCh37 (hg19) VCF-style: chr19-50097981-T-C.
Other names: short protein forms L130P.
Identifiers: ClinVar variation 3425861 (VCV003425861.2).